The following is an entry in ClinVar:

NM_015041.3(CLUAP1):c.714-2A>T

Gene: CLUAP1 (clusterin associated protein 1; plus strand). Cytogenetic location: 16p13.3.
Variant type: single nucleotide variant.
Coding change: c.714-2A>T on transcript NM_015041.3 (MANE Select); the canonical splice acceptor site of the intron before coding-DNA position 714, A replaced by T.
Molecular consequence: splice acceptor variant.
Genome position (GRCh38, 1-based): chr16:3,523,156, A>T. VCF-style: chr16-3523156-A-T. GRCh37 (hg19) VCF-style: chr16-3573156-A-T.
Other names: c.714-2A>T (NM_001330454.2); c.216-2A>T (NM_024793.3).
Identifiers: ClinVar variation 2866394 (VCV002866394.3), dbSNP rs2543980274, ClinGen allele CA394513996.

ClinVar aggregate classification (germline): Uncertain significance (1 of 4 stars; one submission).

Allele frequency attached by ClinVar (database versions not stated): gnomAD exomes 0.00001.
gnomAD v4.1: 5 of 1,607,100 alleles (0.00031%); highest among the groups gnomAD compares: Non-Finnish European, 0.00042%; no homozygotes.

Submission:

Labcorp Genetics (formerly Invitae), Labcorp
Classification: Uncertain significance. Last evaluated: 2023-07-20. Review status: criteria provided, single submitter. Criteria: Invitae Variant Classification Sherloc (09022015). Collection method: clinical testing. Allele origin: germline.
Comment: This sequence change affects an acceptor splice site in intron 7 of the CLUAP1 gene. It is expected to disrupt RNA splicing. Variants that disrupt the donor or acceptor splice site typically lead to a loss of protein function (PMID: 16199547), however the current clinical and genetic evidence is not sufficient to establish whether loss-of-function variants in CLUAP1 cause disease. This variant is not present in population databases (gnomAD no frequency). This variant has not been reported in the literature in individuals affected with CLUAP1-related conditions. Algorithms developed to predict the effect of sequence changes on RNA splicing suggest that this variant may disrupt the consensus splice site. In summary, the available evidence is currently insufficient to determine the role of this variant in disease. Therefore, it has been classified as a Variant of Uncertain Significance.

Literature cited by the submitters: PubMed 16199547.